The following is an entry in ClinVar:

ClinVar aggregate classification (germline): Uncertain significance (1 of 4 stars; one submission).

Allele frequency attached by ClinVar (database versions not stated): gnomAD exomes below 0.00001; TOPMed below 0.00001; gnomAD 0.00001.

Submission:

Labcorp Genetics (formerly Invitae), Labcorp
Classification: Uncertain significance. Last evaluated: 2024-10-22. Review status: criteria provided, single submitter. Criteria: Invitae Variant Classification Sherloc (09022015). Collection method: clinical testing. Allele origin: germline.
Comment: This sequence change replaces proline, which is neutral and non-polar, with serine, which is neutral and polar, at codon 86 of the TIMM50 protein (p.Pro86Ser). This variant is present in population databases (no rsID available, gnomAD 0.003%). This variant has not been reported in the literature in individuals affected with TIMM50-related conditions. ClinVar contains an entry for this variant (Variation ID: 1969414). An algorithm developed to predict the effect of missense changes on protein structure and function outputs the following: PolyPhen-2: "Benign". The serine amino acid residue is found in multiple mammalian species, which suggests that this missense change does not adversely affect protein function. In summary, the available evidence is currently insufficient to determine the role of this variant in disease. Therefore, it has been classified as a Variant of Uncertain Significance.

NC_000019.10:g.39480800C>T

Gene: TIMM50 (translocase of inner mitochondrial membrane 50; plus strand). Cytogenetic location: 19q13.2.
Variant type: single nucleotide variant.
Genome position: GRCh38 VCF-style: chr19-39480800-C-T. GRCh37 (hg19) VCF-style: chr19-39971440-C-T.
Identifiers: ClinVar variation 1969414 (VCV001969414.5), dbSNP rs1373746516, ClinGen allele CA405785694.
Genomic context (GRCh38, chr19:39,480,800, plus strand): 5'-CTCTCTCGGGCTTCCGTCCACCCGCCCCTCCCCCGCGTTTCCATTGGCTGTAGCTCCGGC[C>T]CGGGGCGGGCGAAGAGGGAGCGAGTGGGCGGGGCCGCGTGGCGTCAGCGCAAGATGGCGG-3'